The following is an entry in ClinVar:

NM_000448.3(RAG1):c.1646A>G (p.Asp549Gly)

Gene: RAG1 (recombination activating 1; plus strand). Cytogenetic location: 11p12.
Variant type: single nucleotide variant.
Coding change: c.1646A>G on transcript NM_000448.3 (MANE Select); coding-DNA position 1646, A replaced by G.
Protein change: p.Asp549Gly; replaces aspartic acid 549 with glycine.
Molecular consequence: missense variant.
Genome position (GRCh38, 1-based): chr11:36,574,950, A>G. VCF-style: chr11-36574950-A-G. GRCh37 (hg19) VCF-style: chr11-36596500-A-G.
Other names: c.1646A>G, p.Asp549Gly (NM_001377279.1, NM_001377280.1, NM_001440488.1 and 3 more transcripts); short protein forms D549G.
Identifiers: ClinVar variation 4845249 (VCV004845249.1).

ClinVar aggregate classification (germline): Uncertain significance (1 of 4 stars; one submission).

Conditions:
Severe combined immunodeficiency, autosomal recessive, T cell-negative, B cell-negative, NK cell-positive. Also called: SCID, T CELL-NEGATIVE, B CELL-NEGATIVE, NK CELL-POSITIVE; SCID, AR, T-cell negative, B-cell negative, NK cell-positive; Severe combined immunodeficiency due to complete RAG1/2 deficiency. Identifiers: Orphanet 331206, MedGen C1832322, MONDO:0011086, OMIM 601457.

gnomAD v4.1: 1 of 1,614,166 alleles (0.000062%); highest among the groups gnomAD compares: Non-Finnish European, 0.000085%; no homozygotes.

Submission:

Precision Medical Center, Wuhan Children's Hospital
Classification: Uncertain significance for Severe combined immunodeficiency, autosomal recessive, T cell-negative, B cell-negative, NK cell-positive. Last evaluated: 2026-04-20. Review status: criteria provided, single submitter. Criteria: ACMG Guidelines, 2015. Collection method: clinical testing. Allele origin: germline. Inheritance: Autosomal recessive inheritance. Affected: yes.
Comment: The NM_000448.3 c.1646A>G, is a missense mutation in RAG1 gene. The variation is located in a hotspot mutation region and/or in a critical functional domain known to be devoid of benign variations (PM1). The variation does not exist or is very rare in the population database (PM2). Two bioinformatics methods predict that variations have an impact on genes (gene products) (PP3). In summary, this variant meets criteria to be classified as Variants of Uncertain Significance.